The following is an entry in ClinVar:

ClinVar aggregate classification (germline): Uncertain significance. Review status: criteria provided, multiple submitters, no conflicts (2 of 4 stars). 2 submissions from 2 submitters: Uncertain significance (2). Last evaluated 2024-11-11.

Conditions:
Renal tubular dysgenesis of genetic origin. Also called: PRIMITIVE RENAL TUBULE SYNDROME. Identifiers: Orphanet 97369, MedGen C5681536, MONDO:0009970, OMIM 267430.
Hemorrhage, intracerebral, susceptibility to (ICH). Also called: Stroke, hemorrhagic, susceptibility to. Identifiers: MedGen C3281105, MONDO:0100533, OMIM 614519.
Microvascular complications of diabetes, susceptibility to, 3. Identifiers: MedGen C2675470, MONDO:0012963, OMIM 612624.

gnomAD v4.1: 25 of 1,613,910 alleles (0.0015%); highest among the groups gnomAD compares: African/African-American, 0.016%; no homozygotes.

Submissions (2):

Labcorp Genetics (formerly Invitae), Labcorp
Classification: Uncertain significance. Last evaluated: 2024-11-11. Review status: criteria provided, single submitter. Criteria: Invitae Variant Classification Sherloc (09022015). Collection method: clinical testing. Allele origin: germline.
Comment: This sequence change replaces valine, which is neutral and non-polar, with methionine, which is neutral and non-polar, at codon 856 of the ACE protein (p.Val856Met). This variant is present in population databases (rs369111551, gnomAD 0.02%). This variant has not been reported in the literature in individuals affected with ACE-related conditions. Invitae Evidence Modeling of protein sequence and biophysical properties (such as structural, functional, and spatial information, amino acid conservation, physicochemical variation, residue mobility, and thermodynamic stability) indicates that this missense variant is not expected to disrupt ACE protein function with a negative predictive value of 80%. In summary, the available evidence is currently insufficient to determine the role of this variant in disease. Therefore, it has been classified as a Variant of Uncertain Significance.

Fulgent Genetics
Classification: Uncertain significance for Renal tubular dysgenesis of genetic origin; Microvascular complications of diabetes, susceptibility to, 3; Hemorrhage, intracerebral, susceptibility to. Last evaluated: 2024-05-20. Review status: criteria provided, single submitter. Criteria: ACMG Guidelines, 2015. Collection method: clinical testing. Allele origin: germline.

NM_000789.4(ACE):c.2566G>A (p.Val856Met)

Gene: ACE (angiotensin I converting enzyme; plus strand). Cytogenetic location: 17q23.3.
Variant type: single nucleotide variant.
Coding change: c.2566G>A on transcript NM_000789.4 (MANE Select); coding-DNA position 2566, G replaced by A.
Protein change: p.Val856Met; replaces valine 856 with methionine.
Molecular consequence: missense variant. On other transcripts: non-coding transcript variant (1), intron variant (1).
Genome position (GRCh38, 1-based): chr17:63,489,057, G>A. VCF-style: chr17-63489057-G-A. GRCh37 (hg19) VCF-style: chr17-61566418-G-A.
Other names: c.844G>A, p.Val282Met (NM_001178057.2, NM_152830.3); c.1999G>A, p.Val667Met (NM_001382700.1); c.1714G>A, p.Val572Met (NM_001382701.1); c.379+266G>A (NM_001382702.1); short protein forms V282M, V572M, V667M, V856M.
Identifiers: ClinVar variation 3582541 (VCV003582541.2).